The following is an entry in ClinVar:

NM_000052.7(ATP7A):c.3326T>C (p.Ile1109Thr)

Gene: ATP7A (ATPase copper transporting alpha; plus strand). Cytogenetic location: Xq21.1.
Variant type: single nucleotide variant.
Coding change: c.3326T>C on transcript NM_000052.7 (MANE Select); coding-DNA position 3326, T replaced by C.
Protein change: p.Ile1109Thr; replaces isoleucine 1109 with threonine.
Molecular consequence: missense variant. On other transcripts: non-coding transcript variant (1).
Genome position (GRCh38, 1-based): chrX:78,033,636, T>C. VCF-style: chrX-78033636-T-C. GRCh37 (hg19) VCF-style: chrX-77289134-T-C.
Other names: c.3092T>C, p.Ile1031Thr (NM_001282224.2); short protein forms I1031T, I1109T.
Identifiers: ClinVar variation 1057878 (VCV001057878.6), dbSNP rs2149107157, ClinGen allele CA413603908.

ClinVar aggregate classification (germline): Uncertain significance. Review status: criteria provided, single submitter (1 of 4 stars). 2 submissions from 2 submitters: Uncertain significance (1). 1 of the submissions does not count toward it. Last evaluated 2025-05-15.

Conditions:
Menkes kinky-hair syndrome (MNK). Also called: Copper transport disease; Classic Menkes Disease; Menkes Disease. Identifiers: Orphanet 565, MedGen C0022716, MONDO:0010651, OMIM 309400.
Cutis laxa, X-linked (OHS). Also called: EDS IX; Occipital horn syndrome. Identifiers: Orphanet 198, MedGen C0268353, MONDO:0010572, OMIM 304150.
X-linked distal spinal muscular atrophy type 3. Also called: SPINAL MUSCULAR ATROPHY, DISTAL, X-LINKED RECESSIVE; ATP7A-Related Distal Motor Neuropathy; NEURONOPATHY, DISTAL HEREDITARY MOTOR, X-LINKED; NEUROPATHY, DISTAL HEREDITARY MOTOR, X-LINKED. Identifiers: Orphanet 139557, MedGen C1845359, MONDO:0010338, OMIM 300489.

gnomAD v4.1: 2 of 1,211,866 alleles (0.00017%); highest among the groups gnomAD compares: Non-Finnish European, 0.00011%; no homozygotes.

Submissions (2):

Labcorp Genetics (formerly Invitae), Labcorp
Classification: Uncertain significance for X-linked distal spinal muscular atrophy type 3; Cutis laxa, X-linked; Menkes kinky-hair syndrome. Last evaluated: 2025-05-15. Review status: criteria provided, single submitter. Criteria: Invitae Variant Classification Sherloc (09022015). Collection method: clinical testing. Allele origin: germline.
Comment: This sequence change replaces isoleucine, which is neutral and non-polar, with threonine, which is neutral and polar, at codon 1109 of the ATP7A protein (p.Ile1109Thr). This variant is not present in population databases (gnomAD no frequency). This variant has not been reported in the literature in individuals affected with ATP7A-related conditions. ClinVar contains an entry for this variant (Variation ID: 1057878). Invitae Evidence Modeling of protein sequence and biophysical properties (such as structural, functional, and spatial information, amino acid conservation, physicochemical variation, residue mobility, and thermodynamic stability) indicates that this missense variant is not expected to disrupt ATP7A protein function with a negative predictive value of 95%. In summary, the available evidence is currently insufficient to determine the role of this variant in disease. Therefore, it has been classified as a Variant of Uncertain Significance.

Natera, Inc.
Classification: Uncertain significance for Menkes kinky hair syndrome. Last evaluated: 2020-03-27. Review status: no assertion criteria provided. Collection method: clinical testing. Allele origin: germline. Not counted in ClinVar's aggregate classification.